The following is an entry in ClinVar:

ClinVar aggregate classification (germline): Conflicting classifications of pathogenicity. Review status: criteria provided, conflicting classifications (1 of 4 stars). 3 submissions from 3 submitters: Uncertain significance (1); Likely benign (2). Last evaluated 2025-07-30.

Conditions:
NPHP4-related disorder. Also called: NPHP4-related condition; NPHP4-related disorders. Identifiers: MedGen CN239384.
Nephronophthisis. Also called: Juvenile Nephronophthisis. Identifiers: Orphanet 655, MedGen C0687120, MONDO:0019005, HP:0000090.

Submissions (3):

Labcorp Genetics (formerly Invitae), Labcorp
Classification: Likely benign for Nephronophthisis. Last evaluated: 2025-07-30. Review status: criteria provided, single submitter. Criteria: Invitae Variant Classification Sherloc (09022015). Collection method: clinical testing. Allele origin: germline.

PreventionGenetics, part of Exact Sciences
Classification: Likely benign for NPHP4-related condition. Last evaluated: 2025-05-30. Review status: criteria provided, single submitter. Criteria: ACMG Guidelines, 2015. Collection method: clinical testing. Allele origin: germline.
Comment: This variant is classified as likely benign based on ACMG/AMP sequence variant interpretation guidelines (Richards et al. 2015 PMID: 25741868, with internal and published modifications).

Eurofins Ntd Llc (ga)
Classification: Uncertain significance. Last evaluated: 2018-07-24. Review status: criteria provided, single submitter. Criteria: EGL ClinVar v180209 classification definitions. Collection method: clinical testing. Allele origin: germline. Observed: 1 variant allele, 1 heterozygote.

NM_015102.5(NPHP4):c.1557G>A (p.Leu519=)

Gene: NPHP4 (nephrocystin 4; minus strand). Cytogenetic location: 1p36.31.
Variant type: single nucleotide variant.
Coding change: c.1557G>A on transcript NM_015102.5 (MANE Select); coding-DNA position 1557, G replaced by A.
Protein change: p.Leu519=; no amino-acid change (leucine 519 retained).
Molecular consequence: synonymous variant. On other transcripts: non-coding transcript variant (1), intron variant (2).
Genome position (GRCh38, 1-based): chr1:5,907,169, C>T on the plus strand (G>A on the coding strand, the complement: NPHP4 is on the minus strand). VCF-style: chr1-5907169-C-T. GRCh37 (hg19) VCF-style: chr1-5967229-C-T.
Other names: c.76-1386G>A (NM_001291594.2); c.76-1389G>A (NM_001291593.2); c.1557G>A (NM_015102.4).
Identifiers: ClinVar variation 598139 (VCV000598139.7), dbSNP rs1557704555, ClinGen allele CA415786019.